The following is an entry in ClinVar:

NM_014633.5(CTR9):c.2372+4A>C

Gene: CTR9 (CTR9 component of Paf1/RNA polymerase II complex; plus strand). Cytogenetic location: 11p15.4.
Variant type: single nucleotide variant.
Coding change: c.2372+4A>C on transcript NM_014633.5 (MANE Select); 4 bases into the intron after coding-DNA position 2372, A replaced by C.
Molecular consequence: intron variant.
Genome position (GRCh38, 1-based): chr11:10,770,636, A>C. VCF-style: chr11-10770636-A-C. GRCh37 (hg19) VCF-style: chr11-10792183-A-C.
Other names: c.2372+4A>C (NM_001346279.2).
Identifiers: ClinVar variation 850332 (VCV000850332.35), dbSNP rs199735513, ClinGen allele CA5885298.

ClinVar aggregate classification (germline): Benign/Likely benign. Review status: criteria provided, multiple submitters, no conflicts (2 of 4 stars). 3 submissions from 3 submitters: Benign (2); Likely benign (1). Last evaluated 2026-02-04.

Allele frequency attached by ClinVar (database versions not stated): 1000 Genomes Project 30x 0.00016; ESP Exome Variant Server 0.00031; gnomAD exomes 0.00031 and 0.00071; gnomAD 0.00053; ExAC 0.00054; TOPMed 0.00065.
gnomAD v4.1: 565 of 1,605,284 alleles (0.035%); highest among the groups gnomAD compares: Middle Eastern, 0.1%; 2 homozygotes.

Submissions (6):

Labcorp Genetics (formerly Invitae), Labcorp
Classification: Benign. Last evaluated: 2026-02-04. Review status: criteria provided, single submitter. Criteria: Invitae Variant Classification Sherloc (09022015). Collection method: clinical testing. Allele origin: germline.

CeGaT Center for Human Genetics Tuebingen
Classification: Likely benign. Last evaluated: 2023-07-01. Review status: criteria provided, single submitter. Criteria: CeGaT Center For Human Genetics Tuebingen Variant Classification Criteria Version 2. Collection method: clinical testing. Allele origin: germline. Affected: yes. Observed: 1 variant allele.
Comment: CTR9: BP4, BS1

Breakthrough Genomics
Classification: Benign. Review status: criteria provided, single submitter. Criteria: ACMG Guidelines, 2015. Collection method: not provided. Allele origin: germline. Inheritance: Unknown mechanism. Affected: yes.

Dr. Peter K. Rogan Lab, Western University
No classification provided (evidence only). Condition: Colon adenocarcinoma. Review status: no classification provided. Collection method: in vitro. Allele origin: not applicable. Functional consequence: retained intron. Not counted in ClinVar's aggregate classification.

Dr. Peter K. Rogan Lab, Western University
No classification provided (evidence only). Condition: Thymoma. Review status: no classification provided. Collection method: in vitro. Allele origin: not applicable. Functional consequence: retained intron. Not counted in ClinVar's aggregate classification.

Dr. Peter K. Rogan Lab, Western University
No classification provided (evidence only). Condition: Lymphoma. Review status: no classification provided. Collection method: in vitro. Allele origin: not applicable. Functional consequence: retained intron. Not counted in ClinVar's aggregate classification.